The following is an entry in ClinVar:

NM_001330078.2(NRXN1):c.476C>G (p.Pro159Arg)

Gene: NRXN1 (neurexin 1; minus strand). Cytogenetic location: 2p16.3.
Variant type: single nucleotide variant.
Coding change: c.476C>G on transcript NM_001330078.2 (MANE Select); coding-DNA position 476, C replaced by G.
Protein change: p.Pro159Arg; replaces proline 159 with arginine.
Molecular consequence: missense variant.
Genome position (GRCh38, 1-based): chr2:51,027,798, G>C on the plus strand (C>G on the coding strand, the complement: NRXN1 is on the minus strand). VCF-style: chr2-51027798-G-C. GRCh37 (hg19) VCF-style: chr2-51254936-G-C.
Other names: c.476C>G, p.Pro159Arg (NM_001135659.3, NM_001330077.2, NM_001330079.2 and 15 more transcripts); short protein forms P159R.
Identifiers: ClinVar variation 1042439 (VCV001042439.7), dbSNP rs373070672, ClinGen allele CA346823918.

ClinVar aggregate classification (germline): Uncertain significance. Review status: criteria provided, multiple submitters, no conflicts (2 of 4 stars). 2 submissions from 2 submitters: Uncertain significance (2). Last evaluated 2026-04-06.

Conditions:
Inborn genetic diseases. Identifiers: MedGen C0950123, MeSH D030342.
Pitt-Hopkins-like syndrome 2 (PTHSL2). Identifiers: Orphanet 221150, Orphanet 600663, MedGen C3280479, MONDO:0013690, OMIM 614325.

gnomAD v4.1: 1 of 1,613,092 alleles (0.000062%); no homozygotes.

Submissions (2):

Ambry Genetics
Classification: Uncertain significance for Inborn genetic diseases. Last evaluated: 2026-04-06. Review status: criteria provided, single submitter. Criteria: Ambry Variant Classification Scheme 2023. Collection method: clinical testing. Allele origin: germline.
Comment: The c.476C>G (p.P159R) alteration is located in exon 2 (coding exon 1) of the NRXN1 gene. This alteration results from a C to G substitution at nucleotide position 476, causing the proline (P) at amino acid position 159 to be replaced by an arginine (R). Based on data from gnomAD, the G allele has an overall frequency of <0.001% (1/245486) total alleles studied. The highest observed frequency was <0.001% (/) of alleles. Based on insufficient or conflicting evidence, the clinical significance of this alteration remains unclear.

Labcorp Genetics (formerly Invitae), Labcorp
Classification: Uncertain significance for Pitt-Hopkins-like syndrome 2. Last evaluated: 2021-08-26. Review status: criteria provided, single submitter. Criteria: Invitae Variant Classification Sherloc (09022015). Collection method: clinical testing. Allele origin: germline.